The following is an entry in ClinVar:

NM_004463.3(FGD1):c.2047-5C>A

Gene: FGD1 (FYVE, RhoGEF and PH domain containing 1; minus strand). Cytogenetic location: Xp11.22.
Variant type: single nucleotide variant.
Coding change: c.2047-5C>A on transcript NM_004463.3 (MANE Select); 5 bases into the intron before coding-DNA position 2047, C replaced by A.
Molecular consequence: intron variant.
Genome position (GRCh38, 1-based): chrX:54,449,765, G>T on the plus strand (C>A on the coding strand, the complement: FGD1 is on the minus strand). VCF-style: chrX-54449765-G-T. GRCh37 (hg19) VCF-style: chrX-54476198-G-T.
Identifiers: ClinVar variation 598658 (VCV000598658.34), dbSNP rs368646447, ClinGen allele CA10425013.
Genomic context (GRCh38, chrX:54,449,765, plus strand): 5'-AACAGTTTGAAAGTCTCCAGCGTCTGTTCATGCTTCAGGAGGGTGGAGTTGATGGCCTGG[G>T]GAGGAGGTGTAAGAAATGAGAAGTCAGATCACCCCACAAACTACCCATTTCTACCCTCGC-3'

ClinVar aggregate classification (germline): Conflicting classifications of pathogenicity. Review status: criteria provided, conflicting classifications (1 of 4 stars). 5 submissions from 5 submitters: Uncertain significance (1); Benign (1); Likely benign (2). 1 of the submissions does not count toward it. Last evaluated 2025-03-31.

Conditions:
Inborn genetic diseases. Identifiers: MedGen C0950123, MeSH D030342.
Intellectual disability. Also called: Intellectual functioning disability; intellectual disabilities; Intellectual developmental disorder. Identifiers: MedGen C3714756, MeSH D008607, MONDO:0001071, HP:0001249.

Allele frequency attached by ClinVar (database versions not stated): gnomAD 0.00005 and 0.00006; gnomAD exomes 0.00008; ExAC 0.00013; TOPMed 0.00014; ESP Exome Variant Server 0.00019.
gnomAD v4.1: 199 of 1,160,250 alleles (0.017%); highest among the groups gnomAD compares: Non-Finnish European, 0.023%; no homozygotes.

Submissions (5):

Labcorp Genetics (formerly Invitae), Labcorp
Classification: Benign. Last evaluated: 2025-03-31. Review status: criteria provided, single submitter. Criteria: Invitae Variant Classification Sherloc (09022015). Collection method: clinical testing. Allele origin: germline.

CeGaT Center for Human Genetics Tuebingen
Classification: Likely benign. Last evaluated: 2024-01-01. Review status: criteria provided, single submitter. Criteria: CeGaT Center For Human Genetics Tuebingen Variant Classification Criteria Version 2. Collection method: clinical testing. Allele origin: germline. Affected: yes. Observed: 1 variant allele.
Comment: FGD1: BP4, BS2

Eurofins Ntd Llc (ga)
Classification: Uncertain significance. Last evaluated: 2018-09-13. Review status: criteria provided, single submitter. Criteria: EGL ClinVar v180209 classification definitions. Collection method: clinical testing. Allele origin: germline. Observed: 1 variant allele, 1 hemizygote.

Ambry Genetics
Classification: Likely benign for Inborn genetic diseases. Last evaluated: 2018-01-17. Review status: criteria provided, single submitter. Criteria: Ambry Variant Classification Scheme 2023. Collection method: clinical testing. Allele origin: germline.

Centre de Biologie Pathologie Génétique, Centre Hospitalier Universitaire de Lille
Classification: Likely benign for Intellectual disability. Last evaluated: 2019-01-01. Review status: no assertion criteria provided. Collection method: clinical testing. Allele origin: inherited. Affected: yes. Not counted in ClinVar's aggregate classification.